The following is an entry in ClinVar:

ClinVar aggregate classification (germline): Uncertain significance (1 of 4 stars; one submission).

Allele frequency attached by ClinVar (database versions not stated): gnomAD 0.00001; gnomAD exomes 0.00001; TOPMed 0.00002; ExAC 0.00003; ESP Exome Variant Server 0.00008.
gnomAD v4.1: 13 of 1,613,430 alleles (0.00081%); highest among the groups gnomAD compares: South Asian, 0.0044%; no homozygotes.

Submission:

Labcorp Genetics (formerly Invitae), Labcorp
Classification: Uncertain significance. Last evaluated: 2022-08-03. Review status: criteria provided, single submitter. Criteria: Invitae Variant Classification Sherloc (09022015). Collection method: clinical testing. Allele origin: germline.
Comment: This sequence change replaces tyrosine, which is neutral and polar, with cysteine, which is neutral and slightly polar, at codon 158 of the ERCC2 protein (p.Tyr158Cys). This variant is present in population databases (rs375288194, gnomAD 0.007%). This variant has not been reported in the literature in individuals affected with ERCC2-related conditions. Algorithms developed to predict the effect of missense changes on protein structure and function are either unavailable or do not agree on the potential impact of this missense change (SIFT: "Deleterious"; PolyPhen-2: "Probably Damaging"; Align-GVGD: "Class C0"). Algorithms developed to predict the effect of sequence changes on RNA splicing suggest that this variant may create or strengthen a splice site. In summary, the available evidence is currently insufficient to determine the role of this variant in disease. Therefore, it has been classified as a Variant of Uncertain Significance.

NM_000400.4(ERCC2):c.473A>G (p.Tyr158Cys)

Gene: ERCC2 (ERCC excision repair 2, TFIIH core complex helicase subunit; minus strand). Cytogenetic location: 19q13.32.
Variant type: single nucleotide variant.
Coding change: c.473A>G on transcript NM_000400.4 (MANE Select); coding-DNA position 473, A replaced by G.
Protein change: p.Tyr158Cys; replaces tyrosine 158 with cysteine.
Molecular consequence: missense variant.
Genome position (GRCh38, 1-based): chr19:45,365,046, T>C on the plus strand (A>G on the coding strand, the complement: ERCC2 is on the minus strand). VCF-style: chr19-45365046-T-C. GRCh37 (hg19) VCF-style: chr19-45868304-T-C.
Other names: c.401A>G, p.Tyr134Cys (NM_001130867.2); short protein forms Y158C, Y134C.
Identifiers: ClinVar variation 2183068 (VCV002183068.1), dbSNP rs375288194, ClinGen allele CA9513780.